The following is an entry in ClinVar:

NC_000004.11:g.(?_128851828)_(128851982_?)del

Gene: MFSD8 (major facilitator superfamily domain containing 8; minus strand). Cytogenetic location: 4q28.2.
Variant type: Deletion.
Identifiers: ClinVar variation 1066024 (VCV001066024.3).

ClinVar aggregate classification (germline): Likely pathogenic (1 of 4 stars; one submission).

Conditions:
Neuronal ceroid lipofuscinosis 7 (CLN7). Also called: MFSD8-Related Neuronal Ceroid-Lipofuscinosis. Identifiers: Orphanet 168491, Orphanet 228366, MedGen C1838571, MONDO:0012588, OMIM 610951.

Submission:

Labcorp Genetics (formerly Invitae), Labcorp
Classification: Likely pathogenic for Neuronal ceroid lipofuscinosis 7. Last evaluated: 2021-08-17. Review status: criteria provided, single submitter. Criteria: Invitae Variant Classification Sherloc (09022015). Collection method: clinical testing. Allele origin: germline.
Comment: In summary, the currently available evidence indicates that the variant is pathogenic, but additional data are needed to prove that conclusively. Therefore, this variant has been classified as Likely Pathogenic. This variant is a gross deletion of the genomic region encompassing exon(s) 10 of the MFSD8 gene. This variant would be expected to be in-frame, preserving the integrity of the reading frame. This variant has not been reported in the literature in individuals affected with MFSD8-related conditions. This variant disrupts the p.Thr294 amino acid residue in MFSD8. Other variant(s) that disrupt this residue have been determined to be pathogenic (PMID: 19177532, 19201763, 25439737). This suggests that this residue is clinically significant, and that variants that disrupt this residue are likely to be disease-causing.

Literature cited by the submitters: PubMed 19177532; PubMed 19201763; PubMed 25439737.